The following is an entry in ClinVar:

ClinVar aggregate classification (germline): Pathogenic. Review status: criteria provided, multiple submitters, no conflicts (2 of 4 stars). 2 submissions from 2 submitters: Pathogenic (2). Last evaluated 2026-09-01.

Conditions:
Atrioventricular septal defect, susceptibility to, 2. Identifiers: MedGen C1853508, MONDO:0011650, OMIM 606217.

Allele frequency attached by ClinVar (database versions not stated): TOPMed below 0.00001; gnomAD 0.00001; gnomAD exomes 0.00001; ExAC 0.00002.
gnomAD v4.1: 9 of 1,613,730 alleles (0.00056%); highest among the groups gnomAD compares: Middle Eastern, 0.016%; no homozygotes.

Submissions (2):

CeGaT Center for Human Genetics Tuebingen
Classification: Pathogenic. Last evaluated: 2026-09-01. Review status: criteria provided, single submitter. Criteria: CeGaT Center For Human Genetics Tuebingen Variant Classification Criteria Version 2. Collection method: clinical testing. Allele origin: germline. Affected: yes. Observed: 1 variant allele.
Comment: CRELD1: PVS1, PM2

Labcorp Genetics (formerly Invitae), Labcorp
Classification: Pathogenic for Atrioventricular septal defect, susceptibility to, 2. Last evaluated: 2024-10-01. Review status: criteria provided, single submitter. Criteria: Invitae Variant Classification Sherloc (09022015). Collection method: clinical testing. Allele origin: germline.
Comment: This sequence change creates a premature translational stop signal (p.Arg175*) in the CRELD1 gene. It is expected to result in an absent or disrupted protein product. Loss-of-function variants in CRELD1 are known to be pathogenic (PMID: 37947183). This variant is present in population databases (rs774018674, gnomAD 0.01%). This variant has not been reported in the literature in individuals affected with CRELD1-related conditions. ClinVar contains an entry for this variant (Variation ID: 465835). For these reasons, this variant has been classified as Pathogenic.

Literature cited by the submitters: PubMed 37947183 (cited by Labcorp Genetics (formerly Invitae), Labcorp).

NM_001077415.3(CRELD1):c.523C>T (p.Arg175Ter)

Gene: CRELD1 (CRELD disulfide isomerase 1; plus strand). Cytogenetic location: 3p25.3.
Variant type: single nucleotide variant.
Coding change: c.523C>T on transcript NM_001077415.3 (MANE Select); coding-DNA position 523, C replaced by T.
Protein change: p.Arg175Ter; replaces arginine 175 with a stop codon.
Molecular consequence: nonsense. On other transcripts: non-coding transcript variant (3).
Genome position (GRCh38, 1-based): chr3:9,940,912, C>T. VCF-style: chr3-9940912-C-T. GRCh37 (hg19) VCF-style: chr3-9982596-C-T.
Other names: c.523C>T, p.Arg175Ter (NM_001031717.4, NM_001374316.1, NM_001374317.1 and 4 more transcripts); short protein forms R175*.
Identifiers: ClinVar variation 465835 (VCV000465835.6), dbSNP rs774018674, ClinGen allele CA2247719.